The following is an entry in ClinVar:

ClinVar aggregate classification (germline): Likely benign (1 of 4 stars; one submission).

Allele frequency attached by ClinVar (database versions not stated): gnomAD exomes below 0.00001; TOPMed 0.00001; gnomAD 0.00002.
gnomAD v4.1: 4 of 1,210,556 alleles (0.00033%); highest among the groups gnomAD compares: Non-Finnish European, 0.00045%; no homozygotes.

Submission:

CeGaT Center for Human Genetics Tuebingen
Classification: Likely benign. Last evaluated: 2023-08-01. Review status: criteria provided, single submitter. Criteria: CeGaT Center For Human Genetics Tuebingen Variant Classification Criteria Version 2. Collection method: clinical testing. Allele origin: germline. Affected: yes. Observed: 1 variant allele.
Comment: TAF1: BP4, BP7

NM_004606.5(TAF1):c.1086G>A (p.Gly362=)

Gene: TAF1 (TATA-box binding protein associated factor 1; plus strand). Cytogenetic location: Xq13.1.
Variant type: single nucleotide variant.
Coding change: c.1086G>A on transcript NM_004606.5 (MANE Select); coding-DNA position 1086, G replaced by A.
Protein change: p.Gly362=; no amino-acid change (glycine 362 retained).
Molecular consequence: synonymous variant. On other transcripts: non-coding transcript variant (9).
Genome position (GRCh38, 1-based): chrX:71,378,387, G>A. VCF-style: chrX-71378387-G-A. GRCh37 (hg19) VCF-style: chrX-70598237-G-A.
Other names: c.1086G>A, p.Gly362= (NM_001286074.2); c.1023G>A, p.Gly341= (NM_138923.4).
Identifiers: ClinVar variation 2660876 (VCV002660876.24), dbSNP rs1029255826, ClinGen allele CA331008270.
Genomic context (GRCh38, chrX:71,378,387, plus strand): 5'-GCGTTATGGGCCTGCCCGACTGTGGTATGATATGCTGGGTGTCCCTGAAGATGGCAGTGG[G>A]TTTGACTATGGCTTCAAACTGAGAAAGACAGAACATGAACCTGTGATAAAATCTAGAATG-3'
Protein context (NP_004597.3, residues 352-372): DMLGVPEDGS[Gly362=]FDYGFKLRKT